The following is an entry in ClinVar:

NM_021098.3(CACNA1H):c.1826G>A (p.Gly609Asp)

Gene: CACNA1H (calcium voltage-gated channel subunit alpha1 H; plus strand). Cytogenetic location: 16p13.3.
Variant type: single nucleotide variant.
Coding change: c.1826G>A on transcript NM_021098.3 (MANE Select); coding-DNA position 1826, G replaced by A.
Protein change: p.Gly609Asp; replaces glycine 609 with aspartic acid.
Molecular consequence: missense variant.
Genome position (GRCh38, 1-based): chr16:1,202,276, G>A. VCF-style: chr16-1202276-G-A. GRCh37 (hg19) VCF-style: chr16-1252276-G-A.
Other names: c.1826G>A, p.Gly609Asp (NM_001005407.2); short protein forms G609D.
Identifiers: ClinVar variation 2945497 (VCV002945497.4), dbSNP rs2548646330, ClinGen allele CA394162564.

ClinVar aggregate classification (germline): Uncertain significance. Review status: criteria provided, multiple submitters, no conflicts (2 of 4 stars). 2 submissions from 2 submitters: Uncertain significance (2). Last evaluated 2024-02-11.

Conditions:
Idiopathic generalized epilepsy. Also called: EIG; Generalised epilepsy. Identifiers: MedGen C0270850, MONDO:0005579, OMIM 600669.
Hyperaldosteronism, familial, type IV (HALD4). Also called: FH IV; ALDOSTERONISM, PRIMARY, AND HYPERTENSION. Identifiers: Orphanet 642671, MedGen C4310756, MONDO:0014875, OMIM 617027.
Epilepsy, childhood absence, susceptibility to, 6. Identifiers: Orphanet 64280, MedGen C2749872, MONDO:0012763, OMIM 611942.

Submissions (2):

Fulgent Genetics
Classification: Uncertain significance for Epilepsy, childhood absence, susceptibility to, 6; Hyperaldosteronism, familial, type IV. Last evaluated: 2024-02-11. Review status: criteria provided, single submitter. Criteria: ACMG Guidelines, 2015. Collection method: clinical testing. Allele origin: germline.

Labcorp Genetics (formerly Invitae), Labcorp
Classification: Uncertain significance for Idiopathic generalized epilepsy; Hyperaldosteronism, familial, type IV. Last evaluated: 2024-01-05. Review status: criteria provided, single submitter. Criteria: Invitae Variant Classification Sherloc (09022015). Collection method: clinical testing. Allele origin: germline.
Comment: This sequence change replaces glycine, which is neutral and non-polar, with aspartic acid, which is acidic and polar, at codon 609 of the CACNA1H protein (p.Gly609Asp). This variant is not present in population databases (gnomAD no frequency). This variant has not been reported in the literature in individuals affected with CACNA1H-related conditions. Advanced modeling of protein sequence and biophysical properties (such as structural, functional, and spatial information, amino acid conservation, physicochemical variation, residue mobility, and thermodynamic stability) performed at Invitae indicates that this missense variant is not expected to disrupt CACNA1H protein function with a negative predictive value of 80%. In summary, the available evidence is currently insufficient to determine the role of this variant in disease. Therefore, it has been classified as a Variant of Uncertain Significance.